The following is an entry in ClinVar:

NM_005032.7(PLS3):c.1613C>A (p.Ser538Ter)

Gene: PLS3 (plastin 3; plus strand). Cytogenetic location: Xq23.
Variant type: single nucleotide variant.
Coding change: c.1613C>A on transcript NM_005032.7 (MANE Select); coding-DNA position 1613, C replaced by A.
Protein change: p.Ser538Ter; replaces serine 538 with a stop codon.
Molecular consequence: nonsense.
Genome position (GRCh38, 1-based): chrX:115,647,651, C>A. VCF-style: chrX-115647651-C-A. GRCh37 (hg19) VCF-style: chrX-114881971-C-A.
Other names: c.1613C>A, p.Ser538Ter (NM_001136025.5); c.1532C>A, p.Ser511Ter (NM_001172335.3); c.1574C>A, p.Ser525Ter (NM_001282337.2); c.1478C>A, p.Ser493Ter (NM_001282338.2); short protein forms S493*, S538*, S511*, S525*.
Identifiers: ClinVar variation 3724122 (VCV003724122.2).

ClinVar aggregate classification (germline): Pathogenic (1 of 4 stars; one submission).

Submission:

Labcorp Genetics (formerly Invitae), Labcorp
Classification: Pathogenic. Last evaluated: 2025-02-06. Review status: criteria provided, single submitter. Criteria: Invitae Variant Classification Sherloc (09022015). Collection method: clinical testing. Allele origin: germline.
Comment: This sequence change creates a premature translational stop signal (p.Ser538*) in the PLS3 gene. It is expected to result in an absent or disrupted protein product. Loss-of-function variants in PLS3 are known to be pathogenic (PMID: 24088043, 30405713, 33166085). This variant is not present in population databases (gnomAD no frequency). This variant has not been reported in the literature in individuals affected with PLS3-related conditions. For these reasons, this variant has been classified as Pathogenic.

Literature cited by the submitters: PubMed 24088043; PubMed 30405713; PubMed 33166085.